The following is an entry in ClinVar:

ClinVar aggregate classification (germline): Uncertain significance (1 of 4 stars; one submission).

Conditions:
Aortic aneurysm, familial thoracic 7 (AAT7). Also called: AORTIC DISSECTION, FAMILIAL, WITH OR WITHOUT AORTIC ANEURYSM. Identifiers: MedGen C3151077, MONDO:0013418, OMIM 613780.

Submission:

Labcorp Genetics (formerly Invitae), Labcorp
Classification: Uncertain significance for Aortic aneurysm, familial thoracic 7. Last evaluated: 2024-11-06. Review status: criteria provided, single submitter. Criteria: Invitae Variant Classification Sherloc (09022015). Collection method: clinical testing. Allele origin: germline.
Comment: This sequence change replaces proline, which is neutral and non-polar, with threonine, which is neutral and polar, at codon 1049 of the MYLK protein (p.Pro1049Thr). This variant is not present in population databases (gnomAD no frequency). This variant has not been reported in the literature in individuals affected with MYLK-related conditions. Invitae Evidence Modeling of protein sequence and biophysical properties (such as structural, functional, and spatial information, amino acid conservation, physicochemical variation, residue mobility, and thermodynamic stability) indicates that this missense variant is not expected to disrupt MYLK protein function with a negative predictive value of 95%. In summary, the available evidence is currently insufficient to determine the role of this variant in disease. Therefore, it has been classified as a Variant of Uncertain Significance.

NM_053025.4(MYLK):c.3145C>A (p.Pro1049Thr)

Gene: MYLK (myosin light chain kinase; minus strand). Cytogenetic location: 3q21.1.
Variant type: single nucleotide variant.
Coding change: c.3145C>A on transcript NM_053025.4 (MANE Select); coding-DNA position 3145, C replaced by A.
Protein change: p.Pro1049Thr; replaces proline 1049 with threonine.
Molecular consequence: missense variant.
Genome position (GRCh38, 1-based): chr3:123,700,323, G>T on the plus strand (C>A on the coding strand, the complement: MYLK is on the minus strand). VCF-style: chr3-123700323-G-T. GRCh37 (hg19) VCF-style: chr3-123419170-G-T.
Other names: c.2617C>A, p.Pro873Thr (NM_001321309.2); c.2938C>A, p.Pro980Thr (NM_053026.4, NM_053028.4); c.3145C>A, p.Pro1049Thr (NM_053027.4); short protein forms P1049T, P873T, P980T.
Identifiers: ClinVar variation 3620718 (VCV003620718.2).